The following is an entry in ClinVar:

ClinVar aggregate classification (germline): Uncertain significance (1 of 4 stars; one submission).

Conditions:
Cardiovascular phenotype. Identifiers: MedGen CN230736.

Submission:

Ambry Genetics
Classification: Uncertain significance for Cardiovascular phenotype. Last evaluated: 2021-11-09. Review status: criteria provided, single submitter. Criteria: Ambry Variant Classification Scheme 2023. Collection method: clinical testing. Allele origin: germline.
Comment: The p.V231L variant (also known as c.691G>C), located in coding exon 5 of the TBX20 gene, results from a G to C substitution at nucleotide position 691. The valine at codon 231 is replaced by leucine, an amino acid with highly similar properties. This amino acid position is highly conserved in available vertebrate species. In addition, the in silico prediction for this alteration is inconclusive. The evidence for this gene-disease relationship is limited; therefore, the clinical significance of this alteration is unclear.

NM_001077653.2(TBX20):c.691G>C (p.Val231Leu)

Gene: TBX20 (T-box transcription factor 20; minus strand). Cytogenetic location: 7p14.2.
Variant type: single nucleotide variant.
Coding change: c.691G>C on transcript NM_001077653.2 (MANE Select); coding-DNA position 691, G replaced by C.
Protein change: p.Val231Leu; replaces valine 231 with leucine.
Molecular consequence: missense variant.
Genome position (GRCh38, 1-based): chr7:35,241,001, C>G on the plus strand (G>C on the coding strand, the complement: TBX20 is on the minus strand). VCF-style: chr7-35241001-C-G. GRCh37 (hg19) VCF-style: chr7-35280613-C-G.
Other names: c.691G>C, p.Val231Leu (NM_001166220.1); short protein forms V231L.
Identifiers: ClinVar variation 1756166 (VCV001756166.2), dbSNP rs2128714668, ClinGen allele CA367264154.
Genomic context (GRCh38, chr7:35,241,001, plus strand): 5'-ATTCTTCAGACTTCAGGTTGAGCAATGAGGCTGTGTGGTCTTTCTTCTTAATGATGTGCA[C>G]CCTTGGCTGGTACTTATGCATTGAGTTCAAAATTATCTACAACAAAAAGATGGGAAGTAC-3'
Protein context (NP_001071121.1, residues 221-241): LNSMHKYQPR[Val231Leu]HIIKKKDHTA